The following is an entry in ClinVar:

NM_002439.5(MSH3):c.2560_2564delinsAAAAAA (p.Glu854fs)

Gene: MSH3 (mutS homolog 3; plus strand). Cytogenetic location: 5q14.1.
Variant type: Indel.
Coding change: c.2560_2564delinsAAAAAA on transcript NM_002439.5 (MANE Select); coding-DNA positions 2560 to 2564, GAAAG replaced by AAAAAA.
Protein change: p.Glu854fs; shifts the reading frame from glutamic acid 854.
Molecular consequence: frameshift variant.
Genome position (GRCh38, 1-based): chr5:80,792,749-80,792,753, GAAAG replaced by AAAAAA. VCF-style: chr5-80792749-GAAAG-AAAAAA. GRCh37 (hg19) VCF-style: chr5-80088568-GAAAG-AAAAAA.
Other names: short protein forms E854fs.
Identifiers: ClinVar variation 5042214 (VCV005042214.1).
Genomic context (GRCh38, chr5:80,792,749, plus strand): 5'-CTATTTCCATGCCTAGTAAATTGAAACATATTTCTTTTTTGCAGACCAACTGTACAAGAA[GAAAG>AAAAAA]AAAAATTGTAATAAAAAATGGAAGGCACCCTGTGATTGATGTGTTGCTGGGAGAACAGGA-3'

ClinVar aggregate classification (germline): Pathogenic (1 of 4 stars; one submission).

Conditions:
Familial adenomatous polyposis 4 (FAP4). Also called: MSH3-related attenuated familial adenomatous polyposis. Identifiers: Orphanet 480536, MedGen C4310719, MONDO:0044300, OMIM 617100.

Submission:

Myriad Genetics, Inc.
Classification: Pathogenic for Familial adenomatous polyposis 4. Last evaluated: 2026-07-16. Review status: criteria provided, single submitter. Criteria: Myriad Autosomal Dominant, Autosomal Recessive and X-Linked Classification Criteria (2023). Collection method: clinical testing. Allele origin: unknown.
Comment: This variant is considered pathogenic. This variant creates a frameshift predicted to result in premature protein truncation.